The following is an entry in ClinVar:

ClinVar aggregate classification (germline): Conflicting classifications of pathogenicity. Review status: criteria provided, conflicting classifications (1 of 4 stars). 3 submissions from 3 submitters: Likely pathogenic (1); Uncertain significance (2). Last evaluated 2025-09-01.

Conditions:
Neuronal ceroid lipofuscinosis 2. Also called: JANSKY-BIELSCHOWSKY DISEASE NEURONAL CEROID LIPOFUSCINOSIS, LATE INFANTILE; TPP1-Related Neuronal Ceroid-Lipofuscinosis. Identifiers: Orphanet 168491, Orphanet 228349, Orphanet 79264, MedGen C1876161, MONDO:0008769, OMIM 204500.

Submissions (3):

Victorian Clinical Genetics Services, Murdoch Childrens Research Institute
Classification: Likely pathogenic for Neuronal ceroid lipofuscinosis 2. Last evaluated: 2025-09-01. Review status: criteria provided, single submitter. Criteria: ACMG Guidelines, 2015. Collection method: clinical testing. Allele origin: germline. Affected: no.
Comment: This variant is classified as Likely pathogenic. Evidence in support of pathogenic classification: Variant is absent from gnomAD (v2, v3 and v4); Other missense variant(s) comparable to the one identified in this case have moderate previous evidence for pathogenicity. p.(Gly482Glu) and p.(Gly482Arg) have been classified as likely pathogenic by clinical laboratories (ClinVar). Additionally, p.(Gly482Arg) has been reported in individuals affected with late-infantile neuronal ceroid lipofuscinosis, in both homozygous and compound heterozygous states (PMIDs: 19201763, 32404165); Missense variant predicted to be damaging by in silico tool(s) or highly conserved with a major amino acid change. Additional information: Variant is predicted to result in a missense amino acid change from Gly to Trp; This variant is heterozygous; This gene is associated with autosomal recessive disease; Alternative amino acid change(s) at the same position are present in gnomAD (highest allele count: v4: 2 heterozygote(s), 0 homozygote(s)); Previous evidence of pathogenicity for this variant is inconclusive. This variant has been classified twice as a VUS by clinical laboratories (ClinVar). Additionally, this variant has been classified as likely pathogenic in two affected individuals of this family (personal communications); No published evidence of segregation with disease has been identified for this variant; No published functional evidence has been identified for this variant; Variant is located in the annotated peptidase S8 domain (DECIPHER); Loss of function is a known mechanism of disease in this gene and is associated with neuronal ceroid lipofuscinosis 2 (CLN2; MIM#204500).

Labcorp Genetics (formerly Invitae), Labcorp
Classification: Uncertain significance. Last evaluated: 2024-04-08. Review status: criteria provided, single submitter. Criteria: Invitae Variant Classification Sherloc (09022015). Collection method: clinical testing. Allele origin: germline.
Comment: This sequence change replaces glycine, which is neutral and non-polar, with tryptophan, which is neutral and slightly polar, at codon 482 of the TPP1 protein (p.Gly482Trp). Information on the frequency of this variant in the gnomAD database is not available, as this variant may be reported differently in the database. This variant has not been reported in the literature in individuals affected with TPP1-related conditions. Experimental studies and prediction algorithms are not available or were not evaluated, and the functional significance of this variant is currently unknown. In summary, the available evidence is currently insufficient to determine the role of this variant in disease. Therefore, it has been classified as a Variant of Uncertain Significance.

Women's Health and Genetics/Laboratory Corporation of America, LabCorp
Classification: Uncertain significance. Last evaluated: 2024-03-07. Review status: criteria provided, single submitter. Criteria: LabCorp Variant Classification Summary - May 2015. Collection method: clinical testing. Allele origin: germline.
Comment: Variant summary: TPP1 c.1443_1444delinsCT (p.Gly482Trp) results in a non-conservative amino acid change located in the Peptidase S8/S53 domain (IPR000209) of the encoded protein sequence. Four of five in-silico tools predict a damaging effect of the variant on protein function. The variant was absent in 831490 control chromosomes. The available data on variant occurrences in the general population are insufficient to allow any conclusion about variant significance. To our knowledge, no occurrence of c.1443_1444delinsCT in individuals affected with Neuronal Ceroid-Lipofuscinosis (Batten Disease) and no experimental evidence demonstrating its impact on protein function have been reported. A different missense variant affecting the same amino acid (G482R) have been reported in affected individuals (HGMD), indicating that this residue might be important for protein function. ClinVar contains an entry for this variant (Variation ID: 2875979). Based on the evidence outlined above, the variant was classified as uncertain significance.

Literature cited by the submitters: PubMed 32404165 (cited by Victorian Clinical Genetics Services, Murdoch Childrens Research Institute); PubMed 19201763 (cited by Victorian Clinical Genetics Services, Murdoch Childrens Research Institute).

NM_000391.4(TPP1):c.1443_1444delinsCT (p.Gly482Trp)

Gene: TPP1 (tripeptidyl peptidase 1; minus strand). Cytogenetic location: 11p15.4.
Variant type: Indel.
Coding change: c.1443_1444delinsCT on transcript NM_000391.4 (MANE Select); coding-DNA positions 1443 to 1444, TG replaced by CT.
Protein change: p.Gly482Trp; replaces glycine 482 with tryptophan.
Molecular consequence: missense variant.
Genome position (GRCh38, 1-based): chr11:6,614,973-6,614,974, CA replaced by AG on the plus strand (TG replaced by CT on the coding strand, the reverse complement: TPP1 is on the minus strand). VCF-style: chr11-6614973-CA-AG. GRCh37 (hg19) VCF-style: chr11-6636204-CA-AG.
Other names: short protein forms G482W.
Identifiers: ClinVar variation 2875979 (VCV002875979.7), dbSNP rs2493795992, ClinGen allele CA2739276183.
Genomic context (GRCh38, chr11:6,614,973, plus strand): 5'-AGCCAAGAGGGGGGCGGCCACTAAGGATCCTGTGCTCATTGATCAAGGATAGGATCCCCC[CA>AG]AACACTGGAGTAGAGGCCTACAAGAGTGAAGGTGCAAGTAGAGGTCAGGGGTTCTGAGTG-3'
Protein context (NP_000382.3, residues 472-492): SGTSASTPVF[Gly482Trp]GILSLINEHR